The following is an entry in ClinVar:

NM_144997.7(FLCN):c.856A>G (p.Met286Val)

Gene: FLCN (folliculin; minus strand). Cytogenetic location: 17p11.2.
Variant type: single nucleotide variant.
Coding change: c.856A>G on transcript NM_144997.7 (MANE Select); coding-DNA position 856, A replaced by G.
Protein change: p.Met286Val; replaces methionine 286 with valine.
Molecular consequence: missense variant.
Genome position (GRCh38, 1-based): chr17:17,221,552, T>C on the plus strand (A>G on the coding strand, the complement: FLCN is on the minus strand). VCF-style: chr17-17221552-T-C. GRCh37 (hg19) VCF-style: chr17-17124866-T-C.
Other names: c.910A>G, p.Met304Val (NM_001353229.2); c.856A>G, p.Met286Val (NM_001353230.2, NM_001353231.2, NM_144606.7); short protein forms M286V, M304V.
Identifiers: ClinVar variation 2675740 (VCV002675740.2), dbSNP rs2544219300, ClinGen allele CA398533646.

ClinVar aggregate classification (germline): Uncertain significance. Review status: criteria provided, multiple submitters, no conflicts (2 of 4 stars). 2 submissions from 2 submitters: Uncertain significance (2). Last evaluated 2024-04-12.

Conditions:
Birt-Hogg-Dube syndrome. Also called: Birt Hogg Dubé syndrome. Identifiers: Orphanet 122, MedGen C0346010, MONDO:0800444.
Hereditary cancer-predisposing syndrome. Also called: Tumor predisposition; Neoplastic Syndromes, Hereditary; Hereditary Cancer Syndrome; Hereditary neoplastic syndrome. Identifiers: Orphanet 140162, MedGen C0027672, MeSH D009386, MONDO:0015356.

Submissions (2):

Ambry Genetics
Classification: Uncertain significance for Hereditary cancer-predisposing syndrome. Last evaluated: 2024-04-12. Review status: criteria provided, single submitter. Criteria: Ambry Variant Classification Scheme 2023. Collection method: clinical testing. Allele origin: germline.
Comment: The p.M286V variant (also known as c.856A>G), located in coding exon 5 of the FLCN gene, results from an A to G substitution at nucleotide position 856. The methionine at codon 286 is replaced by valine, an amino acid with highly similar properties. This amino acid position is conserved. In addition, the in silico prediction for this alteration is inconclusive. Based on the available evidence, the clinical significance of this variant remains unclear.

Baylor Genetics
Classification: Uncertain significance for Birt-Hogg-Dube syndrome 1. Last evaluated: 2023-10-09. Review status: criteria provided, single submitter. Criteria: ACMG Guidelines, 2015. Collection method: clinical testing. Allele origin: unknown.